The following is an entry in ClinVar:

ClinVar aggregate classification (germline): Pathogenic/Likely pathogenic. Review status: criteria provided, multiple submitters, no conflicts (2 of 4 stars). 4 submissions from 4 submitters: Pathogenic (1); Likely pathogenic (3). Last evaluated 2024-06-11.

Conditions:
Charlevoix-Saguenay spastic ataxia (SACS). Also called: Spastic ataxia of Charlevoix-Saguenay; SPASTIC ATAXIA 6, AUTOSOMAL RECESSIVE; AUTOSOMAL RECESSIVE SPASTIC ATAXIA OF CHARLEVOIX-SAGUENAY. Identifiers: Orphanet 98, MedGen C1849140, MONDO:0010041, OMIM 270550.

Allele frequency attached by ClinVar (database versions not stated): gnomAD exomes below 0.00001; TOPMed below 0.00001; ExAC 0.00001; gnomAD 0.00001.
gnomAD v4.1: 6 of 1,614,026 alleles (0.00037%); highest among the groups gnomAD compares: South Asian, 0.0033%; no homozygotes.

Submissions (4):

Natera, Inc.
Classification: Likely pathogenic for Charlevoix-Saguenay type spastic ataxia. Last evaluated: 2024-06-11. Review status: criteria provided, single submitter. Criteria: Natera Variant Classification Schema (03/2026). Collection method: clinical testing. Allele origin: germline.
Comment: The c.562G>A variant in SACS is a missense variant predicted to cause substitution of glycine to arginine at amino acid 188. This variant is rare in the general population with a frequency below the threshold expected for the associated phenotype(s). This variant has been observed in one or more individuals affected with the associated recessive disease, as either homozygous or compound heterozygous with a second variant (PMID: 33956305, 30638817). Additionally, this variant has been observed to segregate in affected family members (PMID: 30638817). Computational prediction algorithms indicate this variant is likely to affect gene or protein function. Given the available evidence, this variant is classified as Likely Pathogenic.

Women's Health and Genetics/Laboratory Corporation of America, LabCorp
Classification: Pathogenic for Charlevoix-Saguenay spastic ataxia. Last evaluated: 2023-06-20. Review status: criteria provided, single submitter. Criteria: LabCorp Variant Classification Summary - May 2015. Collection method: clinical testing. Allele origin: germline.
Comment: Variant summary: SACS c.562G>A (p.Gly188Arg) results in a non-conservative amino acid change in the encoded protein sequence. Five of five in-silico tools predict a damaging effect of the variant on protein function. The variant allele was found at a frequency of 4e-06 in 251480 control chromosomes. c.562G>A has been reported in the literature in multiple homozygous individuals affected with Autosomal Recessive Spastic Ataxia Of Charlevoix-Saguenay (e.g., Rezende Filho_2018, da Graca_2020). These data indicate that the variant is very likely to be associated with disease. To our knowledge, no experimental evidence demonstrating an impact on protein function has been reported. The following publications have been ascertained in the context of this evaluation (PMID: 30638817, 33956305). One submitter has cited clinical-significance assessments for this variant to ClinVar after 2014 and has classified the variant as likely pathogenic. Based on the evidence outlined above, the variant was classified as pathogenic.

PROSPAX: an integrated multimodal progression  chart in spastic ataxias, Center for Neurology; Hertie-Institute for Clinical Brain Research
Classification: Likely pathogenic for Charlevoix-Saguenay spastic ataxia. Last evaluated: 2022-01-01. Review status: criteria provided, single submitter. Criteria: ACMG Guidelines, 2015. Collection method: research. Allele origin: germline. Affected: yes.

Mendelics
Classification: Likely pathogenic for Charlevoix-Saguenay spastic ataxia. Last evaluated: 2019-05-28. Review status: criteria provided, single submitter. Criteria: Mendelics Assertion Criteria 2017. Collection method: clinical testing. Allele origin: unknown.

Literature cited by the submitters: PubMed 33956305 (cited by Natera, Inc. and Women's Health and Genetics/Laboratory Corporation of America, LabCorp); PubMed 30638817 (cited by Natera, Inc. and Women's Health and Genetics/Laboratory Corporation of America, LabCorp).

NM_014363.6(SACS):c.562G>A (p.Gly188Arg)

Gene: SACS (sacsin molecular chaperone; minus strand). Cytogenetic location: 13q12.12.
Variant type: single nucleotide variant.
Coding change: c.562G>A on transcript NM_014363.6 (MANE Select); coding-DNA position 562, G replaced by A.
Protein change: p.Gly188Arg; replaces glycine 188 with arginine.
Molecular consequence: missense variant.
Genome position (GRCh38, 1-based): chr13:23,358,377, C>T on the plus strand (G>A on the coding strand, the complement: SACS is on the minus strand). VCF-style: chr13-23358377-C-T. GRCh37 (hg19) VCF-style: chr13-23932516-C-T.
Other names: c.562G>A (NM_014363.5); c.121G>A, p.Gly41Arg (NM_001278055.2); short protein forms G41R, G188R.
Identifiers: ClinVar variation 802913 (VCV000802913.4), dbSNP rs780184251, ClinGen allele CA6912057.